The following is an entry in ClinVar:

NM_014915.3(ANKRD26):c.1565-4T>C

Gene: ANKRD26 (ankyrin repeat domain 26; minus strand). Cytogenetic location: 10p12.1.
Variant type: single nucleotide variant.
Coding change: c.1565-4T>C on transcript NM_014915.3 (MANE Select); 4 bases into the intron before coding-DNA position 1565, T replaced by C.
Molecular consequence: intron variant.
Genome position (GRCh38, 1-based): chr10:27,053,394, A>G on the plus strand (T>C on the coding strand, the complement: ANKRD26 is on the minus strand). VCF-style: chr10-27053394-A-G. GRCh37 (hg19) VCF-style: chr10-27342323-A-G.
Other names: c.1565-4T>C (NM_001256053.2).
Identifiers: ClinVar variation 299746 (VCV000299746.12), dbSNP rs747570982, ClinGen allele CA5448483.
Genomic context (GRCh38, chr10:27,053,394, plus strand): 5'-TTTCACTCCCTTCCCTTTCTTGCTCTTCTTCTGATGCTACTTCTAAGTCATGTTCAGCTG[A>G]AAAAATCCAAATATTTAGTTTAATGAACTACTTAGAACAGTTAGGTAAAAGGTATAGTCT-3'

ClinVar aggregate classification (germline): Conflicting classifications of pathogenicity. Review status: criteria provided, conflicting classifications (1 of 4 stars). 3 submissions from 3 submitters: Uncertain significance (1); Likely benign (2). Last evaluated 2024-11-19.

Conditions:
Thrombocytopenia 2 (THC2). Also called: ANKRD26-Related Thrombocytopenia. Identifiers: Orphanet 268322, MedGen C1861185, MONDO:0008555, OMIM 188000.

Allele frequency attached by ClinVar (database versions not stated): ExAC 0.00002; gnomAD 0.00003 and 0.00004; gnomAD exomes 0.00004 and 0.00014; TOPMed 0.00004.

Submissions (3):

Labcorp Genetics (formerly Invitae), Labcorp
Classification: Likely benign. Last evaluated: 2024-11-19. Review status: criteria provided, single submitter. Criteria: Invitae Variant Classification Sherloc (09022015). Collection method: clinical testing. Allele origin: germline.

GeneDx
Classification: Uncertain significance. Last evaluated: 2024-01-22. Review status: criteria provided, single submitter. Criteria: GeneDx Variant Classification Process June 2021. Collection method: clinical testing. Allele origin: germline. Affected: yes.
Comment: In silico analysis supports that this variant does not alter splicing; Has not been previously published as pathogenic or benign to our knowledge

Illumina Laboratory Services, Illumina
Classification: Likely benign for Thrombocytopenia 2. Last evaluated: 2018-01-13. Review status: criteria provided, single submitter. Criteria: ICSL Variant Classification Criteria 13 December 2019. Collection method: clinical testing. Allele origin: germline.
Comment: This variant was observed in the ICSL laboratory as part of a predisposition screen in an ostensibly healthy population. It had not been previously curated by ICSL or reported in the Human Gene Mutation Database (HGMD: prior to June 1st, 2018), and was therefore a candidate for classification through an automated scoring system. Utilizing variant allele frequency, disease prevalence and penetrance estimates, and inheritance mode, an automated score was calculated to assess if this variant is too frequent to cause the disease. Based on the score and internal cut-off values, a variant classified as likely benign is not then subjected to further curation. The score for this variant resulted in a classification of likely benign for this disease.